The following is an entry in ClinVar:

NM_021926.4(ALX4):c.*517C>T

Gene: ALX4 (ALX homeobox 4; minus strand). Cytogenetic location: 11p11.2.
Variant type: single nucleotide variant.
Coding change: c.*517C>T on transcript NM_021926.4 (MANE Select); 517 bases downstream of the stop codon, C replaced by T.
Molecular consequence: 3 prime UTR variant.
Genome position (GRCh38, 1-based): chr11:44,264,337, G>A on the plus strand (C>T on the coding strand, the complement: ALX4 is on the minus strand). VCF-style: chr11-44264337-G-A. GRCh37 (hg19) VCF-style: chr11-44285887-G-A.
Other names: c.*517C>T (LRG_1256t1).
Identifiers: ClinVar variation 304688 (VCV000304688.6), dbSNP rs4755797, ClinGen allele CA10634894.

ClinVar aggregate classification (germline): Benign. Review status: criteria provided, multiple submitters, no conflicts (2 of 4 stars). 2 submissions from 2 submitters: Benign (2). Last evaluated 2018-01-13.

Conditions:
Parietal foramina 2 (PFM2). Identifiers: Orphanet 60015, MedGen C1865044, MONDO:0012309, OMIM 609597.

Allele frequency attached by ClinVar (database versions not stated): gnomAD 0.67187 and 0.68379; TOPMed 0.68493; gnomAD exomes 0.74228; 1000 Genomes Project 30x 0.74766; 1000 Genomes Project 0.75599.
gnomAD v4.1: 112,146 of 163,024 alleles (69%); highest among the groups gnomAD compares: East Asian, 92%; 39,445 homozygotes.

Submissions (2):

Illumina Laboratory Services, Illumina
Classification: Benign for Parietal foramina 2. Last evaluated: 2018-01-13. Review status: criteria provided, single submitter. Criteria: ICSL Variant Classification Criteria 13 December 2019. Collection method: clinical testing. Allele origin: germline.
Comment: This variant was observed in the ICSL laboratory as part of a predisposition screen in an ostensibly healthy population. It had not been previously curated by ICSL or reported in the Human Gene Mutation Database (HGMD: prior to June 1st, 2018), and was therefore a candidate for classification through an automated scoring system. Utilizing variant allele frequency, disease prevalence and penetrance estimates, and inheritance mode, an automated score was calculated to assess if this variant is too frequent to cause the disease. Based on the score and internal cut-off values, a variant classified as benign is not then subjected to further curation. The score for this variant resulted in a classification of benign for this disease.

Breakthrough Genomics
Classification: Benign. Review status: criteria provided, single submitter. Criteria: ACMG Guidelines, 2015. Collection method: not provided. Allele origin: germline. Inheritance: Autosomal recessive inheritance. Affected: yes.